The following is an entry in ClinVar:

ClinVar aggregate classification (germline): Pathogenic (1 of 4 stars; one submission).

Submission:

Labcorp Genetics (formerly Invitae), Labcorp
Classification: Pathogenic. Last evaluated: 2026-01-01. Review status: criteria provided, single submitter. Criteria: Invitae Variant Classification Sherloc (09022015). Collection method: clinical testing. Allele origin: germline.
Comment: This sequence change creates a premature translational stop signal (p.Leu358Asnfs*31) in the ASAH1 gene. While this is not anticipated to result in nonsense mediated decay, it is expected to disrupt the last 38 amino acid(s) of the ASAH1 protein. This variant is not present in population databases (gnomAD no frequency). This variant has not been reported in the literature in individuals affected with ASAH1-related conditions. This variant disrupts a region of the ASAH1 protein in which other variant(s) (p.Pro362Arg) have been determined to be pathogenic (PMID: 10610716, 24164096, 32449975). This suggests that this is a clinically significant region of the protein, and that variants that disrupt it are likely to be disease-causing. For these reasons, this variant has been classified as Pathogenic.

Literature cited by the submitters: PubMed 10610716; PubMed 24164096; PubMed 32449975.

NM_177924.5(ASAH1):c.1072_1076del (p.Leu358fs)

Gene: ASAH1 (N-acylsphingosine amidohydrolase 1; minus strand). Cytogenetic location: 8p22.
Variant type: Deletion.
Coding change: c.1072_1076del on transcript NM_177924.5 (MANE Select); coding-DNA positions 1072 to 1076, 5 bases deleted (CTGTC; older notation c.1072_1076delCTGTC).
Protein change: p.Leu358fs; shifts the reading frame from leucine 358.
Molecular consequence: frameshift variant. On other transcripts: non-coding transcript variant (1).
Genome position (GRCh38, 1-based): chr8:18,058,857-18,058,861, GACAG deleted on the plus strand (CTGTC on the coding strand, the reverse complement: ASAH1 is on the minus strand); deleting any 5 consecutive bases within chr8:18,058,857-18,058,865 gives the same sequence; the c. name uses the placement nearest the transcript's 3' end. VCF-style (leftmost placement, unchanged base first): chr8-18058856-TGACAG-T. GRCh37 (hg19) VCF-style: chr8-17916365-TGACAG-T.
Other names: c.1054_1058del, p.Leu352fs (NM_001127505.3); c.877_881del, p.Leu293fs (NM_001363743.2); c.1120_1124del, p.Leu374fs (NM_004315.6); short protein forms L358fs, L352fs, L293fs, L374fs.
Identifiers: ClinVar variation 4734208 (VCV004734208.1).